The following is an entry in ClinVar:

ClinVar aggregate classification (germline): Uncertain significance (1 of 4 stars; one submission).

Submission:

Labcorp Genetics (formerly Invitae), Labcorp
Classification: Uncertain significance. Last evaluated: 2025-03-04. Review status: criteria provided, single submitter. Criteria: Invitae Variant Classification Sherloc (09022015). Collection method: clinical testing. Allele origin: germline.
Comment: This sequence change replaces methionine, which is neutral and non-polar, with isoleucine, which is neutral and non-polar, at codon 127 of the ANGPT1 protein (p.Met127Ile). This variant is not present in population databases (gnomAD no frequency). This variant has not been reported in the literature in individuals affected with ANGPT1-related conditions. An algorithm developed to predict the effect of missense changes on protein structure and function (PolyPhen-2) suggests that this variant is likely to be disruptive. In summary, the available evidence is currently insufficient to determine the role of this variant in disease. Therefore, it has been classified as a Variant of Uncertain Significance.

NM_001146.5(ANGPT1):c.381G>C (p.Met127Ile)

Gene: ANGPT1 (angiopoietin 1; minus strand). Cytogenetic location: 8q23.1.
Variant type: single nucleotide variant.
Coding change: c.381G>C on transcript NM_001146.5 (MANE Select); coding-DNA position 381, G replaced by C.
Protein change: p.Met127Ile; replaces methionine 127 with isoleucine.
Molecular consequence: missense variant.
Genome position (GRCh38, 1-based): chr8:107,347,014, C>G on the plus strand (G>C on the coding strand, the complement: ANGPT1 is on the minus strand). VCF-style: chr8-107347014-C-G. GRCh37 (hg19) VCF-style: chr8-108359242-C-G.
Other names: c.381G>C, p.Met127Ile (NM_001199859.3); short protein forms M127I.
Identifiers: ClinVar variation 3670574 (VCV003670574.2).